The following is an entry in ClinVar:

ClinVar aggregate classification (germline): Uncertain significance (1 of 4 stars; one submission).

Conditions:
Hereditary sensory and autonomic neuropathy type 6. Also called: HSAN VI; Neuropathy, hereditary sensory and autonomic, type VI. Identifiers: Orphanet 314381, MedGen C3539003, MONDO:0013839, OMIM 614653.
Epidermolysis bullosa simplex 3, localized or generalized intermediate, with BP230 deficiency (EBS3). Also called: Epidermolysis bullosa simplex due to BP230 deficiency; Epidermolysis bullosa simplex, autosomal recessive 2. Identifiers: Orphanet 412181, MedGen C3809470, MONDO:0014180, OMIM 615425.

Allele frequency attached by ClinVar (database versions not stated): gnomAD exomes 0.00001; gnomAD 0.00002; TOPMed 0.00002; ExAC 0.00003.
gnomAD v4.1: 18 of 1,613,550 alleles (0.0011%); highest among the groups gnomAD compares: Non-Finnish European, 0.0014%; no homozygotes.

Submission:

Labcorp Genetics (formerly Invitae), Labcorp
Classification: Uncertain significance for Epidermolysis bullosa simplex 3, localized or generalized intermediate, with BP230 deficiency; Hereditary sensory and autonomic neuropathy type 6. Last evaluated: 2022-09-29. Review status: criteria provided, single submitter. Criteria: Invitae Variant Classification Sherloc (09022015). Collection method: clinical testing. Allele origin: germline.
Comment: The DST gene has multiple clinically relevant transcripts. This variant occurs in alternate transcript NM_015548.4, and corresponds to NM_001723.5:c.*17576A>C in the primary transcript. This sequence change affects codon 1375 of the DST mRNA. It is a 'silent' change, meaning that it does not change the encoded amino acid sequence of the DST protein. This variant is present in population databases (rs766567185, gnomAD 0.003%). This variant has not been reported in the literature in individuals affected with DST-related conditions. Experimental studies and prediction algorithms are not available or were not evaluated, and the effect of this variant on mRNA splicing is currently unknown. In summary, the available evidence is currently insufficient to determine the role of this variant in disease. Therefore, it has been classified as a Variant of Uncertain Significance.

NM_001374736.1(DST):c.11994A>C (p.Ser3998=)

Gene: DST (dystonin; minus strand). Cytogenetic location: 6p12.1.
Variant type: single nucleotide variant.
Coding change: c.11994A>C on transcript NM_001374736.1 (MANE Select); coding-DNA position 11994, A replaced by C.
Protein change: p.Ser3998=; no amino-acid change (serine 3998 retained).
Molecular consequence: synonymous variant.
Genome position (GRCh38, 1-based): chr6:56,597,941, T>G on the plus strand (A>C on the coding strand, the complement: DST is on the minus strand). VCF-style: chr6-56597941-T-G. GRCh37 (hg19) VCF-style: chr6-56462739-T-G.
Other names: c.5637A>C, p.Ser1879= (NM_001144769.5); c.5223A>C, p.Ser1741= (NM_001144770.2); c.11994A>C, p.Ser3998= (NM_001374722.1); c.11361A>C, p.Ser3787= (NM_001374729.1); c.5103A>C, p.Ser1701= (NM_001374730.1, NM_001386100.1, NM_183380.4); c.12021A>C, p.Ser4007= (NM_001374734.1); c.4125A>C, p.Ser1375= (NM_015548.5).
Identifiers: ClinVar variation 2153775 (VCV002153775.1), dbSNP rs766567185, ClinGen allele CA3868541.